The following is an entry in ClinVar:

NM_002691.4(POLD1):c.980C>T (p.Pro327Leu)

Gene: POLD1 (DNA polymerase delta 1, catalytic subunit; plus strand). Cytogenetic location: 19q13.33.
Variant type: single nucleotide variant.
Coding change: c.980C>T on transcript NM_002691.4 (MANE Select); coding-DNA position 980, C replaced by T.
Protein change: p.Pro327Leu; replaces proline 327 with leucine.
Molecular consequence: missense variant. On other transcripts: non-coding transcript variant (1).
Genome position (GRCh38, 1-based): chr19:50,403,062, C>T. VCF-style: chr19-50403062-C-T. GRCh37 (hg19) VCF-style: chr19-50906319-C-T.
Other names: c.980C>T, p.Pro327Leu (NM_001256849.1, NM_001308632.1); short protein forms P327L.
Identifiers: ClinVar variation 40045 (VCV000040045.8), dbSNP rs397514633, ClinGen allele CA130719.

ClinVar aggregate classification (germline): Uncertain significance. Review status: criteria provided, single submitter (1 of 4 stars). 3 submissions from 3 submitters: Uncertain significance (1). 2 of the submissions do not count toward it. Last evaluated 2021-10-08.

Conditions:
POLD1-related polyposis and colorectal cancer syndrome (CRCS10). Also called: Colorectal cancer 10; Colorectal cancer, susceptibility to, 10; COLORECTAL CANCER, SUSCEPTIBILITY TO, ON CHROMOSOME 19q. Identifiers: Orphanet 220460, MedGen C2675481, MONDO:0012953, OMIM 612591.

Submissions (3):

Labcorp Genetics (formerly Invitae), Labcorp
Classification: Uncertain significance for POLD1-related polyposis and colorectal cancer syndrome. Last evaluated: 2021-10-08. Review status: criteria provided, single submitter. Criteria: Invitae Variant Classification Sherloc (09022015). Collection method: clinical testing. Allele origin: germline.
Comment: In summary, the available evidence is currently insufficient to determine the role of this variant in disease. Therefore, it has been classified as a Variant of Uncertain Significance. Experimental studies have shown that this missense change affects POLD1 function (PMID: 31944473). Algorithms developed to predict the effect of missense changes on protein structure and function are either unavailable or do not agree on the potential impact of this missense change (SIFT: "Deleterious"; PolyPhen-2: "Probably Damaging"; Align-GVGD: "Class C0"). ClinVar contains an entry for this variant (Variation ID: 40045). This missense change has been observed in individual(s) with colorectal adenomas (PMID: 23263490). This variant is not present in population databases (ExAC no frequency). This sequence change replaces proline with leucine at codon 327 of the POLD1 protein (p.Pro327Leu). The proline residue is highly conserved and there is a moderate physicochemical difference between proline and leucine.

Counsyl
Classification: Uncertain significance for POLD1-related polyposis and colorectal cancer syndrome. Last evaluated: 2016-06-09. Review status: no assertion criteria provided. Collection method: clinical testing. Allele origin: unknown. Not counted in ClinVar's aggregate classification.

OMIM
Classification: risk factor for COLORECTAL CANCER, SUSCEPTIBILITY TO, 10. Last evaluated: 2013-02-01. Review status: no assertion criteria provided. Collection method: literature only. Allele origin: germline. Not counted in ClinVar's aggregate classification.

Literature cited by the submitters: PubMed 31944473 (cited by Labcorp Genetics (formerly Invitae), Labcorp); PubMed 23263490 (cited by 3 submitters); PubMed 23770608 (cited by Counsyl).